The following is an entry in ClinVar:

ClinVar aggregate classification (germline): Uncertain significance (1 of 4 stars; one submission).

Conditions:
Primary ciliary dyskinesia. Also called: Ciliary dyskinesia. Identifiers: Orphanet 244, MedGen C0008780, MONDO:0016575, HP:0012265.

Allele frequency attached by ClinVar (database versions not stated): ExAC 0.00001.
gnomAD v4.1: 4 of 1,613,900 alleles (0.00025%); highest among the groups gnomAD compares: Non-Finnish European, 0.00025%; no homozygotes.

Submission:

Labcorp Genetics (formerly Invitae), Labcorp
Classification: Uncertain significance for Primary ciliary dyskinesia. Last evaluated: 2022-05-16. Review status: criteria provided, single submitter. Criteria: Invitae Variant Classification Sherloc (09022015). Collection method: clinical testing. Allele origin: germline.
Comment: This sequence change replaces aspartic acid, which is acidic and polar, with asparagine, which is neutral and polar, at codon 3072 of the DNAH5 protein (p.Asp3072Asn). This variant is present in population databases (rs749838880, gnomAD 0.0009%). This variant has not been reported in the literature in individuals affected with DNAH5-related conditions. Advanced modeling of protein sequence and biophysical properties (such as structural, functional, and spatial information, amino acid conservation, physicochemical variation, residue mobility, and thermodynamic stability) performed at Invitae indicates that this missense variant is not expected to disrupt DNAH5 protein function. In summary, the available evidence is currently insufficient to determine the role of this variant in disease. Therefore, it has been classified as a Variant of Uncertain Significance.

NM_001369.3(DNAH5):c.9214G>A (p.Asp3072Asn)

Gene: DNAH5 (dynein axonemal heavy chain 5; minus strand). Cytogenetic location: 5p15.2.
Variant type: single nucleotide variant.
Coding change: c.9214G>A on transcript NM_001369.3 (MANE Select); coding-DNA position 9214, G replaced by A.
Protein change: p.Asp3072Asn; replaces aspartic acid 3072 with asparagine.
Molecular consequence: missense variant.
Genome position (GRCh38, 1-based): chr5:13,776,598, C>T on the plus strand (G>A on the coding strand, the complement: DNAH5 is on the minus strand). VCF-style: chr5-13776598-C-T. GRCh37 (hg19) VCF-style: chr5-13776707-C-T.
Other names: short protein forms D3072N.
Identifiers: ClinVar variation 2040853 (VCV002040853.1), dbSNP rs749838880, ClinGen allele CA3202594.